The following is an entry in ClinVar:

ClinVar aggregate classification (germline): Uncertain significance (1 of 4 stars; one submission).

Conditions:
Inborn genetic diseases. Identifiers: MedGen C0950123, MeSH D030342.

Submission:

Ambry Genetics
Classification: Uncertain significance for Inborn genetic diseases. Last evaluated: 2024-04-27. Review status: criteria provided, single submitter. Criteria: Ambry Variant Classification Scheme 2023. Collection method: clinical testing. Allele origin: germline.
Comment: The p.E2374K variant (also known as c.7120G>A), located in coding exon 48 of the LRRK2 gene, results from a G to A substitution at nucleotide position 7120. The glutamic acid at codon 2374 is replaced by lysine, an amino acid with similar properties. This amino acid position is conserved. In addition, the in silico prediction for this alteration is inconclusive. Based on the available evidence, the clinical significance of this variant remains unclear.

NM_198578.4(LRRK2):c.7120G>A (p.Glu2374Lys)

Gene: LRRK2 (leucine rich repeat kinase 2; plus strand). Cytogenetic location: 12q12.
Variant type: single nucleotide variant.
Coding change: c.7120G>A on transcript NM_198578.4 (MANE Select); coding-DNA position 7120, G replaced by A.
Protein change: p.Glu2374Lys; replaces glutamic acid 2374 with lysine.
Molecular consequence: missense variant.
Genome position (GRCh38, 1-based): chr12:40,363,493, G>A. VCF-style: chr12-40363493-G-A. GRCh37 (hg19) VCF-style: chr12-40757295-G-A.
Other names: short protein forms E2374K.
Identifiers: ClinVar variation 3291980 (VCV003291980.1).